The following is an entry in ClinVar:

ClinVar aggregate classification (germline): Pathogenic. Review status: criteria provided, multiple submitters, no conflicts (2 of 4 stars). 3 submissions from 3 submitters: Pathogenic (3). Last evaluated 2024-11-13.

Conditions:
Ataxia-telangiectasia syndrome (AT). Also called: Ataxia telangiectasia (A-T); LOUIS-BAR SYNDROME; AT, COMPLEMENTATION GROUP C; ATAXIA-TELANGIECTASIA, COMPLEMENTATION GROUP A; ATAXIA-TELANGIECTASIA, FRESNO VARIANT; Ataxia-telangiectasia. Identifiers: Orphanet 100, MedGen C0004135, MONDO:0008840, OMIM 208900.
Familial cancer of breast. Also called: Hereditary breast cancer; hereditary breast carcinoma; BREAST CANCER, FAMILIAL. Identifiers: Orphanet 227535, MedGen C0346153, MONDO:0016419, OMIM 114480. Disease mechanism: loss of function.

Submissions (3):

Natera, Inc.
Classification: Pathogenic for Ataxia-telangiectasia. Last evaluated: 2024-11-13. Review status: criteria provided, single submitter. Criteria: Natera Variant Classification Schema (03/2026). Collection method: clinical testing. Allele origin: germline.
Comment: The c.3024_3025del variant in ATM is a frameshift variant predicted to shift the reading frame beginning at codon 1010 and leads to a stop codon 37 codons downstream. This variant is expected to result in nonsense mediated decay, truncation, or a dysfunctional protein product. This variant is rare in the general population with a frequency below the threshold expected for the associated phenotype(s). This variant has been observed in one or more individuals affected with the associated recessive disease, as either homozygous or compound heterozygous with a second variant (PMID: 35719373). Given the available evidence, this variant is classified as Pathogenic.

Myriad Genetics, Inc.
Classification: Pathogenic for Familial cancer of breast. Last evaluated: 2024-01-18. Review status: criteria provided, single submitter. Criteria: Myriad Autosomal Dominant, Autosomal Recessive and X-Linked Classification Criteria (2023). Collection method: clinical testing. Allele origin: unknown.
Comment: This variant is considered pathogenic. This variant creates a frameshift predicted to result in premature protein truncation.

3billion
Classification: Pathogenic for Ataxia-telangiectasia syndrome. Last evaluated: 2021-10-02. Review status: criteria provided, single submitter. Criteria: ACMG Guidelines, 2015. Collection method: clinical testing. Allele origin: paternal. Affected: yes. Observed: 1 heterozygote.
Comment: Frameshift: predicted to result in a loss or disruption of normal protein function through nonsense-mediated decay (NMD) or protein truncation. Multiple pathogenic variants are reported downstream of the variant (PVS1_VS). It is not observed in the gnomAD v2.1.1 dataset (PM2). The variant was observed in trans with a pathogenic variant (NM_000051.3: c.8464_8467del) as compound heterozygous (3billion dataset, PM3). Therefore, this variant is classified as pathogenic according to the recommendation of ACMG/AMP guideline.

Literature cited by the submitters: PubMed 35719373 (cited by Natera, Inc.).

NM_000051.4(ATM):c.3024_3025del (p.Asn1010fs)

Gene: ATM (ATM serine/threonine kinase; plus strand). Cytogenetic location: 11q22.3.
Variant type: Deletion.
Coding change: c.3024_3025del on transcript NM_000051.4 (MANE Select); coding-DNA positions 3024 to 3025, 2 bases deleted (TG; older notation c.3024_3025delTG).
Protein change: p.Asn1010fs; shifts the reading frame from asparagine 1010.
Molecular consequence: frameshift variant.
Genome position (GRCh38, 1-based): chr11:108,271,353-108,271,354, TG deleted. VCF-style (leftmost placement, unchanged base first): chr11-108271352-CTG-C. GRCh37 (hg19) VCF-style: chr11-108142079-CTG-C.
Other names: c.3024_3025del, p.Asn1010fs (NM_001351834.2); short protein forms N1010fs.
Identifiers: ClinVar variation 1320098 (VCV001320098.3), dbSNP rs2135553856, ClinGen allele CA2573053401.